The following is an entry in ClinVar:

ClinVar aggregate classification (germline): Uncertain significance (1 of 4 stars; one submission).

Submission:

Ambry Genetics
Classification: Uncertain significance. Last evaluated: 2025-02-05. Review status: criteria provided, single submitter. Criteria: Ambry Variant Classification Scheme 2023. Collection method: clinical testing. Allele origin: germline.
Comment: The p.N1121K variant (also known as c.3363C>G), located in coding exon 13 of the CDK12 gene, results from a C to G substitution at nucleotide position 3363. The asparagine at codon 1121 is replaced by lysine, an amino acid with similar properties. This amino acid position is conserved. In addition, this alteration is predicted to be tolerated by in silico analysis. Based on the available evidence, the clinical significance of this variant remains unclear.

NM_016507.4(CDK12):c.3363C>G (p.Asn1121Lys)

Gene: CDK12 (cyclin dependent kinase 12; plus strand). Cytogenetic location: 17q12.
Variant type: single nucleotide variant.
Coding change: c.3363C>G on transcript NM_016507.4 (MANE Select); coding-DNA position 3363, C replaced by G.
Protein change: p.Asn1121Lys; replaces asparagine 1121 with lysine.
Molecular consequence: missense variant.
Genome position (GRCh38, 1-based): chr17:39,525,919, C>G. VCF-style: chr17-39525919-C-G. GRCh37 (hg19) VCF-style: chr17-37682172-C-G.
Other names: c.3363C>G, p.Asn1121Lys (NM_015083.4); short protein forms N1121K.
Identifiers: ClinVar variation 3830611 (VCV003830611.1).